The following is an entry in ClinVar:

ClinVar aggregate classification (germline): Pathogenic. Review status: criteria provided, multiple submitters, no conflicts (2 of 4 stars). 4 submissions from 4 submitters: Pathogenic (3). 1 of the submissions does not count toward it. Last evaluated 2025-08-04.

Conditions:
EDA-related disorder. Also called: EDA-related condition; EDA-related disorders.
Hypohidrotic X-linked ectodermal dysplasia (XHED). Also called: Christ-Siemans-Touraine syndrome; ECTODERMAL DYSPLASIA, HYPOHIDROTIC, 1; CST SYNDROME; ECTODERMAL DYSPLASIA 1; Ectodermal Dysplasia 1, Anhidrotic; Anhidrotic ectodermal dysplasia X-linked. Identifiers: Orphanet 181, Orphanet 238468, MedGen C0162359, MONDO:0010585, OMIM 305100.
Tooth agenesis, selective, X-linked, 1 (STHAGX1). Also called: HYPODONTIA/OLIGODONTIA, X-LINKED, 1. Identifiers: Orphanet 99798, MedGen C1970757, MONDO:0010741, OMIM 313500. Disease mechanism: loss of function.

Submissions (4):

Labcorp Genetics (formerly Invitae), Labcorp
Classification: Pathogenic for Hypohidrotic X-linked ectodermal dysplasia. Last evaluated: 2025-08-04. Review status: criteria provided, single submitter. Criteria: Invitae Variant Classification Sherloc (09022015). Collection method: clinical testing. Allele origin: germline.
Comment: This sequence change replaces arginine, which is basic and polar, with cysteine, which is neutral and slightly polar, at codon 289 of the EDA protein (p.Arg289Cys). This variant is not present in population databases (gnomAD no frequency). This missense change has been observed in individuals with EDA-related conditions (PMID: 19278982, 34573371; internal data). ClinVar contains an entry for this variant (Variation ID: 253054). Invitae Evidence Modeling of protein sequence and biophysical properties (such as structural, functional, and spatial information, amino acid conservation, physicochemical variation, residue mobility, and thermodynamic stability) has been performed for this missense variant. However, the output from this modeling did not meet the statistical confidence thresholds required to predict the impact of this variant on EDA protein function. Experimental studies have shown that this missense change affects EDA function (PMID: 27144394). This variant disrupts the p.Arg289 amino acid residue in EDA. Other variant(s) that disrupt this residue have been determined to be pathogenic (PMID: 26753551; internal data). This suggests that this residue is clinically significant, and that variants that disrupt this residue are likely to be disease-causing. For these reasons, this variant has been classified as Pathogenic.

Blueprint Genetics
Classification: Pathogenic for EDA-related disorders. Last evaluated: 2023-12-15. Review status: criteria provided, single submitter. Criteria: ACMG Guidelines, 2015. Collection method: clinical testing. Allele origin: germline. Affected: yes. Observed: 1 variant allele.

Medical Molecular Genetics Department, National Research Center
Classification: Pathogenic for Hypohidrotic X-linked ectodermal dysplasia. Last evaluated: 2021-02-13. Review status: criteria provided, single submitter. Criteria: ACMG Guidelines, 2015. Collection method: research. Allele origin: maternal. Affected: yes.

OMIM
Classification: Pathogenic for TOOTH AGENESIS, SELECTIVE, X-LINKED, 1. Last evaluated: 2016-08-17. Review status: no assertion criteria provided. Collection method: literature only. Allele origin: germline. Not counted in ClinVar's aggregate classification.

Literature cited by the submitters: PubMed 19278982 (cited by Labcorp Genetics (formerly Invitae), Labcorp and OMIM); PubMed 34573371 (cited by Labcorp Genetics (formerly Invitae), Labcorp); PubMed 27144394 (cited by Labcorp Genetics (formerly Invitae), Labcorp); PubMed 26753551 (cited by Labcorp Genetics (formerly Invitae), Labcorp).

NM_001399.5(EDA):c.865C>T (p.Arg289Cys)

Gene: EDA (ectodysplasin A; plus strand). Cytogenetic location: Xq13.1.
Variant type: single nucleotide variant.
Coding change: c.865C>T on transcript NM_001399.5 (MANE Select); coding-DNA position 865, C replaced by T.
Protein change: p.Arg289Cys; replaces arginine 289 with cysteine.
Molecular consequence: missense variant.
Genome position (GRCh38, 1-based): chrX:70,033,469, C>T. VCF-style: chrX-70033469-C-T. GRCh37 (hg19) VCF-style: chrX-69253319-C-T.
Other names: c.865C>T, p.Arg289Cys (NM_001005609.2); c.856C>T, p.Arg286Cys (NM_001005612.3); short protein forms R289C, R286C.
Identifiers: ClinVar variation 253054 (VCV000253054.11), dbSNP rs879255551, ClinGen allele CA10586173.